The following is an entry in ClinVar:

ClinVar aggregate classification (germline): Pathogenic (1 of 4 stars; one submission).

Conditions:
Nemaline myopathy 2 (NEM2). Also called: Nemaline myopathy 2, autosomal recessive. Identifiers: MedGen C1850569, MONDO:0009725, OMIM 256030.

Submission:

Labcorp Genetics (formerly Invitae), Labcorp
Classification: Pathogenic for Nemaline myopathy 2. Last evaluated: 2022-04-14. Review status: criteria provided, single submitter. Criteria: Invitae Variant Classification Sherloc (09022015). Collection method: clinical testing. Allele origin: germline.
Comment: For these reasons, this variant has been classified as Pathogenic. This variant has not been reported in the literature in individuals affected with NEB-related conditions. The frequency data for this variant in the population databases (gnomAD) is considered unreliable due to the presence of homologous sequence, such as pseudogenes or paralogs, in the genome. This sequence change creates a premature translational stop signal (p.Thr4150Hisfs*27) in the NEB gene. It is expected to result in an absent or disrupted protein product. Loss-of-function variants in NEB are known to be pathogenic (PMID: 25205138). This variant occurs in a region of NEB (Exons 82-105) consisting of three highly homologous 8-exon repeat units (exons 82-89, exons 90-97, exons 98-105). Sequence variants in this region can be detected, but this assay cannot determine which of the three repeat units is affected, and zygosity is often ambiguous. All variants in this region are reported relative to the exon 82-89 repeat.

Literature cited by the submitters: PubMed 25205138.

NM_001164508.2(NEB):c.12447del (p.Thr4150fs)

Gene: NEB (nebulin; minus strand). Cytogenetic location: 2q23.3.
Variant type: Deletion.
Coding change: c.12447del on transcript NM_001164508.2 (MANE Select); coding-DNA position 12447, one base deleted (G; older notation c.12447delG).
Protein change: p.Thr4150fs; shifts the reading frame from threonine 4150.
Molecular consequence: frameshift variant. On other transcripts: intron variant (1).
Genome position (GRCh38, 1-based): chr2:151,608,560, C deleted on the plus strand (G on the coding strand, the reverse complement: NEB is on the minus strand); the first of 2 consecutive C bases (chr2:151,608,560-151,608,561); deleting either gives the same sequence. VCF-style (leftmost placement, unchanged base first): chr2-151608559-TC-T. GRCh37 (hg19) VCF-style: chr2-152465073-TC-T.
Other names: c.12447del, p.Thr4150fs (NM_001164507.2, NM_001271208.2); c.11601+1249del (NM_004543.5); short protein forms T4150fs.
Identifiers: ClinVar variation 2093217 (VCV002093217.4), dbSNP rs2552225895, ClinGen allele CA2580064105.